The following is an entry in ClinVar:

ClinVar aggregate classification (germline): Uncertain significance (1 of 4 stars; one submission).

gnomAD v4.1: 1 of 1,610,972 alleles (0.000062%); highest among the groups gnomAD compares: Non-Finnish European, 0.000085%; no homozygotes.

Submission:

Mayo Clinic Laboratories, Mayo Clinic
Classification: Uncertain significance. Last evaluated: 2025-09-06. Review status: criteria provided, single submitter. Criteria: ACMG Guidelines, 2015. Collection method: clinical testing. Allele origin: germline. Observed: 1 variant allele.
Comment: PP3_moderate, PM2_supporting

Literature cited by the submitters: PubMed 26644582.

NM_002667.5(PLN):c.107G>A (p.Cys36Tyr)

Genes: CEP85L (centrosomal protein 85L; minus strand), PLN (phospholamban; plus strand). Cytogenetic location: 6q22.31.
Variant type: single nucleotide variant.
Coding change: c.107G>A on transcript NM_002667.5 (MANE Select); coding-DNA position 107, G replaced by A.
Protein change: p.Cys36Tyr; replaces cysteine 36 with tyrosine.
Molecular consequence: missense variant. On other transcripts: intron variant (3).
Genome position (GRCh38, 1-based): chr6:118,559,028, G>A. VCF-style: chr6-118559028-G-A. GRCh37 (hg19) VCF-style: chr6-118880191-G-A.
Other names: p.Cys36Tyr; c.1029+6501C>T (NM_001178035.2); c.1020+6501C>T (NM_001042475.3, NM_206921.3); short protein forms C36Y.
Identifiers: ClinVar variation 4541208 (VCV004541208.1).